The following is an entry in ClinVar:

NM_001267550.2(TTN):c.44284C>A (p.Arg14762=)

Gene: TTN (titin; minus strand). Cytogenetic location: 2q31.2.
Variant type: single nucleotide variant.
Coding change: c.44284C>A on transcript NM_001267550.2 (MANE Select); coding-DNA position 44284, C replaced by A.
Protein change: p.Arg14762=; no amino-acid change (arginine 14762 retained).
Molecular consequence: synonymous variant.
Genome position (GRCh38, 1-based): chr2:178,629,441, G>T on the plus strand (C>A on the coding strand, the complement: TTN is on the minus strand). VCF-style: chr2-178629441-G-T. GRCh37 (hg19) VCF-style: chr2-179494168-G-T.
Other names: c.44284C>A (NM_001267550.1); c.39361C>A, p.Arg13121= (NM_001256850.1); c.17089C>A, p.Arg5697= (NM_003319.4); c.36580C>A, p.Arg12194= (NM_133378.4); c.17464C>A, p.Arg5822= (NM_133432.3); c.17665C>A, p.Arg5889= (NM_133437.4).
Identifiers: ClinVar variation 1127903 (VCV001127903.11), dbSNP rs770767998, ClinGen allele CA1995681.

ClinVar aggregate classification (germline): Conflicting classifications of pathogenicity. Review status: criteria provided, conflicting classifications (1 of 4 stars). 3 submissions from 3 submitters: Uncertain significance (2); Likely benign (1). Last evaluated 2025-12-31.

Conditions:
Dilated cardiomyopathy 1G (CMD1G). Identifiers: Orphanet 154, MedGen C1858763, MONDO:0011400, OMIM 604145.
Autosomal recessive limb-girdle muscular dystrophy type 2J (LGMDR10). Also called: MUSCULAR DYSTROPHY, LIMB-GIRDLE, AUTOSOMAL RECESSIVE 10; Limb-girdle muscular dystrophy, type 2J. Identifiers: Orphanet 140922, MedGen C1837342, MONDO:0012127, OMIM 608807.
Cardiovascular phenotype. Identifiers: MedGen CN230736.

Allele frequency attached by ClinVar (database versions not stated): gnomAD exomes 0.00001; ExAC 0.00002.
gnomAD v4.1: 5 of 1,612,580 alleles (0.00031%); highest among the groups gnomAD compares: East Asian, 0.0022%; no homozygotes.

Submissions (3):

Labcorp Genetics (formerly Invitae), Labcorp
Classification: Likely benign for Dilated cardiomyopathy 1G; Autosomal recessive limb-girdle muscular dystrophy type 2J. Last evaluated: 2025-12-31. Review status: criteria provided, single submitter. Criteria: Invitae Variant Classification Sherloc (09022015). Collection method: clinical testing. Allele origin: germline.

GeneDx
Classification: Uncertain significance. Last evaluated: 2024-02-27. Review status: criteria provided, single submitter. Criteria: GeneDx Variant Classification Process June 2021. Collection method: clinical testing. Allele origin: germline. Affected: yes.
Comment: Not observed at significant frequency in large population cohorts (gnomAD); Has not been previously published as pathogenic or benign to our knowledge; In silico analysis suggests this variant may impact gene splicing. In the absence of RNA/functional studies, the actual effect of this sequence change is unknown.

Ambry Genetics
Classification: Uncertain significance for Cardiovascular phenotype. Last evaluated: 2023-04-22. Review status: criteria provided, single submitter. Criteria: Ambry Variant Classification Scheme 2023. Collection method: clinical testing. Allele origin: germline.
Comment: The c.17089C>A variant (also known as p.R5697R), located in coding exon 67 of the TTN gene, results from a C to A substitution at nucleotide position 17089. This nucleotide substitution does not change the arginine at codon 5697. This nucleotide position is highly conserved in available vertebrate species. In silico splice site analysis predicts that this alteration may result in the creation or strengthening of a novel splice acceptor site. Since supporting evidence is limited at this time, the clinical significance of this alteration remains unclear.